The following is an entry in ClinVar:

ClinVar aggregate classification (germline): Uncertain significance. Review status: criteria provided, multiple submitters, no conflicts (2 of 4 stars). 2 submissions from 2 submitters: Uncertain significance (2). Last evaluated 2024-10-23.

Conditions:
Inborn genetic diseases. Identifiers: MedGen C0950123, MeSH D030342.

Allele frequency attached by ClinVar (database versions not stated): gnomAD exomes 0.00001; TOPMed 0.00002; ESP Exome Variant Server 0.00008.
gnomAD v4.1: 15 of 1,613,726 alleles (0.00093%); highest among the groups gnomAD compares: Admixed American, 0.0017%; no homozygotes.

Submissions (2):

Labcorp Genetics (formerly Invitae), Labcorp
Classification: Uncertain significance. Last evaluated: 2024-10-23. Review status: criteria provided, single submitter. Criteria: Invitae Variant Classification Sherloc (09022015). Collection method: clinical testing. Allele origin: germline.
Comment: This sequence change replaces glycine, which is neutral and non-polar, with serine, which is neutral and polar, at codon 1298 of the SCN3A protein (p.Gly1298Ser). This variant is present in population databases (rs375050462, gnomAD 0.003%). This variant has not been reported in the literature in individuals affected with SCN3A-related conditions. ClinVar contains an entry for this variant (Variation ID: 1420991). Invitae Evidence Modeling of protein sequence and biophysical properties (such as structural, functional, and spatial information, amino acid conservation, physicochemical variation, residue mobility, and thermodynamic stability) indicates that this missense variant is not expected to disrupt SCN3A protein function with a negative predictive value of 80%. In summary, the available evidence is currently insufficient to determine the role of this variant in disease. Therefore, it has been classified as a Variant of Uncertain Significance.

Ambry Genetics
Classification: Uncertain significance for Inborn genetic diseases. Last evaluated: 2024-01-24. Review status: criteria provided, single submitter. Criteria: Ambry Variant Classification Scheme 2023. Collection method: clinical testing. Allele origin: germline.

NM_006922.4(SCN3A):c.3892G>A (p.Gly1298Ser)

Gene: SCN3A (sodium voltage-gated channel alpha subunit 3; minus strand). Cytogenetic location: 2q24.3.
Variant type: single nucleotide variant.
Coding change: c.3892G>A on transcript NM_006922.4 (MANE Select); coding-DNA position 3892, G replaced by A.
Protein change: p.Gly1298Ser; replaces glycine 1298 with serine.
Molecular consequence: missense variant.
Genome position (GRCh38, 1-based): chr2:165,100,376, C>T on the plus strand (G>A on the coding strand, the complement: SCN3A is on the minus strand). VCF-style: chr2-165100376-C-T. GRCh37 (hg19) VCF-style: chr2-165956886-C-T.
Other names: c.3892G>A (NM_006922.3); c.3745G>A, p.Gly1249Ser (NM_001081676.2, NM_001081677.2); short protein forms G1298S, G1249S.
Identifiers: ClinVar variation 1420991 (VCV001420991.7), dbSNP rs375050462, ClinGen allele CA1938690.